The following is an entry in ClinVar:

NM_001029883.3(PCARE):c.3718T>C (p.Cys1240Arg)

Gene: PCARE (photoreceptor cilium actin regulator; minus strand). Cytogenetic location: 2p23.2.
Variant type: single nucleotide variant.
Coding change: c.3718T>C on transcript NM_001029883.3 (MANE Select); coding-DNA position 3718, T replaced by C.
Protein change: p.Cys1240Arg; replaces cysteine 1240 with arginine.
Molecular consequence: missense variant.
Genome position (GRCh38, 1-based): chr2:29,065,018, A>G on the plus strand (T>C on the coding strand, the complement: PCARE is on the minus strand). VCF-style: chr2-29065018-A-G. GRCh37 (hg19) VCF-style: chr2-29287884-A-G.
Other names: short protein forms C1240R.
Identifiers: ClinVar variation 1516833 (VCV001516833.3), dbSNP rs1299468792, ClinGen allele CA346470858.

ClinVar aggregate classification (germline): Uncertain significance (1 of 4 stars; one submission).

Allele frequency attached by ClinVar (database versions not stated): gnomAD exomes below 0.00001.

Submission:

Labcorp Genetics (formerly Invitae), Labcorp
Classification: Uncertain significance. Last evaluated: 2022-06-27. Review status: criteria provided, single submitter. Criteria: Invitae Variant Classification Sherloc (09022015). Collection method: clinical testing. Allele origin: germline.
Comment: This sequence change replaces cysteine, which is neutral and slightly polar, with arginine, which is basic and polar, at codon 1240 of the PCARE protein (p.Cys1240Arg). This variant is not present in population databases (gnomAD no frequency). This variant has not been reported in the literature in individuals affected with PCARE-related conditions. Algorithms developed to predict the effect of missense changes on protein structure and function output the following: SIFT: "Tolerated"; PolyPhen-2: "Benign"; Align-GVGD: "Class C0". The arginine amino acid residue is found in multiple mammalian species, which suggests that this missense change does not adversely affect protein function. In summary, the available evidence is currently insufficient to determine the role of this variant in disease. Therefore, it has been classified as a Variant of Uncertain Significance.